The following is an entry in ClinVar:

ClinVar aggregate classification (germline): Likely pathogenic. Review status: criteria provided, multiple submitters, no conflicts (2 of 4 stars). 3 submissions from 3 submitters: Likely pathogenic (3). Last evaluated 2025-08-15.

Conditions:
Familial hemophagocytic lymphohistiocytosis (FHL). Also called: Familial erythrophagocytic lymphohistiocytosis; Familial histiocytic reticulosis; Hereditary hemophagocytic lymphohistiocytosis. Identifiers: Orphanet 158038, Orphanet 540, MedGen C0272199, MONDO:0015541.
Familial hemophagocytic lymphohistiocytosis 2 (FHL2). Also called: PRF1-Related Familial Hemophagocytic Lymphohistiocytosis (PRF1-fHLH). Identifiers: Orphanet 540, MedGen C1863727, MONDO:0011337, OMIM 603553.

Allele frequency attached by ClinVar (database versions not stated): ExAC 0.00001; gnomAD exomes 0.00001.

Submissions (3):

Labcorp Genetics (formerly Invitae), Labcorp
Classification: Likely pathogenic for Familial hemophagocytic lymphohistiocytosis 2. Last evaluated: 2025-08-15. Review status: criteria provided, single submitter. Criteria: Invitae Variant Classification Sherloc (09022015). Collection method: clinical testing. Allele origin: germline.
Comment: This sequence change replaces aspartic acid, which is acidic and polar, with asparagine, which is neutral and polar, at codon 340 of the PRF1 protein (p.Asp340Asn). This variant is present in population databases (rs754079962, gnomAD 0.006%). This missense change has been observed in individual(s) with clinical features of hemophagocytic lymphohistiocytosis (PMID: 25577959, 32963807, 33746956). It has also been observed to segregate with disease in related individuals. ClinVar contains an entry for this variant (Variation ID: 929472). Invitae Evidence Modeling of protein sequence and biophysical properties (such as structural, functional, and spatial information, amino acid conservation, physicochemical variation, residue mobility, and thermodynamic stability) has been performed for this missense variant. However, the output from this modeling did not meet the statistical confidence thresholds required to predict the impact of this variant on PRF1 protein function. In summary, the currently available evidence indicates that the variant is pathogenic, but additional data are needed to prove that conclusively. Therefore, this variant has been classified as Likely Pathogenic.

Women's Health and Genetics/Laboratory Corporation of America, LabCorp
Classification: Likely pathogenic for Familial hemophagocytic lymphohistiocytosis. Last evaluated: 2023-07-28. Review status: criteria provided, single submitter. Criteria: LabCorp Variant Classification Summary - May 2015. Collection method: clinical testing. Allele origin: germline.
Comment: Variant summary: PRF1 c.1018G>A (p.Asp340Asn) results in a conservative amino acid change located in the Membrane attack complex component/perforin (MACPF) domain (IPR020864) of the encoded protein sequence. Five of five in-silico tools predict a benign effect of the variant on protein function. The variant allele was found at a frequency of 8e-06 in 250892 control chromosomes. c.1018G>A has been reported in the literature as a biallelic homozygous genotype in at-least two individuals affected with Familial Hemophagocytic Lymphohistiocytosis (example, Mhatre_2015, Fung_2020, Shabrish_2021). These data indicate that the variant is likely to be associated with disease. To our knowledge, no experimental evidence demonstrating an impact on protein function has been reported. The following publications have been ascertained in the context of this evaluation (PMID: 32963807, 25577959, 33746956). Two submitters have cited clinical-significance assessments for this variant to ClinVar after 2014. One submitter classified the variant as likely pathogenic and one submitter classified the variant as uncertain significance. Based on the evidence outlined above, the variant was classified as likely pathogenic.

Department of Paediatrics and Adolescent Medicine, The University of Hong Kong
Classification: Likely pathogenic for Familial hemophagocytic lymphohistiocytosis 2. Last evaluated: 2020-06-02. Review status: criteria provided, single submitter. Criteria: ACMG Guidelines, 2015. Collection method: research. Allele origin: inherited. Inheritance: Autosomal recessive inheritance. Affected: yes.

Literature cited by the submitters: PubMed 25577959 (cited by Labcorp Genetics (formerly Invitae), Labcorp and Women's Health and Genetics/Laboratory Corporation of America, LabCorp); PubMed 32963807 (cited by 3 submitters); PubMed 33746956 (cited by Labcorp Genetics (formerly Invitae), Labcorp and Women's Health and Genetics/Laboratory Corporation of America, LabCorp).

NM_001083116.3(PRF1):c.1018G>A (p.Asp340Asn)

Gene: PRF1 (perforin 1; minus strand). Cytogenetic location: 10q22.1.
Variant type: single nucleotide variant.
Coding change: c.1018G>A on transcript NM_001083116.3 (MANE Select); coding-DNA position 1018, G replaced by A.
Protein change: p.Asp340Asn; replaces aspartic acid 340 with asparagine.
Molecular consequence: missense variant.
Genome position (GRCh38, 1-based): chr10:70,598,703, C>T on the plus strand (G>A on the coding strand, the complement: PRF1 is on the minus strand). VCF-style: chr10-70598703-C-T. GRCh37 (hg19) VCF-style: chr10-72358459-C-T.
Other names: c.1018G>A (NM_001083116.1); c.1018G>A, p.Asp340Asn (NM_005041.6); short protein forms D340N.
Identifiers: ClinVar variation 929472 (VCV000929472.6), dbSNP rs754079962, ClinGen allele CA5538848.